The following is an entry in ClinVar:

NM_000142.5(FGFR3):c.1354G>T (p.Ala452Ser)

Gene: FGFR3 (fibroblast growth factor receptor 3; plus strand). Cytogenetic location: 4p16.3.
Variant type: single nucleotide variant.
Coding change: c.1354G>T on transcript NM_000142.5 (MANE Select); coding-DNA position 1354, G replaced by T.
Protein change: p.Ala452Ser; replaces alanine 452 with serine.
Molecular consequence: missense variant. On other transcripts: non-coding transcript variant (1).
Genome position (GRCh38, 1-based): chr4:1,804,911, G>T. VCF-style: chr4-1804911-G-T. GRCh37 (hg19) VCF-style: chr4-1806638-G-T.
Other names: c.1360G>T, p.Ala454Ser (NM_001163213.2); c.1357G>T, p.Ala453Ser (NM_001354809.2, NM_001354810.2); c.1018G>T, p.Ala340Ser (NM_022965.4); short protein forms A340S, A452S, A453S, A454S.
Identifiers: ClinVar variation 1680073 (VCV001680073.7), dbSNP rs3135893, ClinGen allele CA91254582.

ClinVar aggregate classification (germline): Uncertain significance (1 of 4 stars; one submission).

Allele frequency attached by ClinVar (database versions not stated): gnomAD 0.00005; gnomAD exomes 0.00003; TOPMed 0.00003.

Submission:

Labcorp Genetics (formerly Invitae), Labcorp
Classification: Uncertain significance. Last evaluated: 2025-01-08. Review status: criteria provided, single submitter. Criteria: Invitae Variant Classification Sherloc (09022015). Collection method: clinical testing. Allele origin: germline.
Comment: This sequence change replaces alanine, which is neutral and non-polar, with serine, which is neutral and polar, at codon 452 of the FGFR3 protein (p.Ala452Ser). This variant is present in population databases (rs3135893, gnomAD 0.007%). This variant has not been reported in the literature in individuals affected with FGFR3-related conditions. ClinVar contains an entry for this variant (Variation ID: 1680073). Invitae Evidence Modeling of protein sequence and biophysical properties (such as structural, functional, and spatial information, amino acid conservation, physicochemical variation, residue mobility, and thermodynamic stability) indicates that this missense variant is not expected to disrupt FGFR3 protein function with a negative predictive value of 80%. In summary, the available evidence is currently insufficient to determine the role of this variant in disease. Therefore, it has been classified as a Variant of Uncertain Significance.